The following is an entry in ClinVar:

NM_015338.6(ASXL1):c.2756T>C (p.Ile919Thr)

Gene: ASXL1 (ASXL transcriptional regulator 1; plus strand). Cytogenetic location: 20q11.21.
Variant type: single nucleotide variant.
Coding change: c.2756T>C on transcript NM_015338.6 (MANE Select); coding-DNA position 2756, T replaced by C.
Protein change: p.Ile919Thr; replaces isoleucine 919 with threonine.
Molecular consequence: missense variant.
Genome position (GRCh38, 1-based): chr20:32,435,468, T>C. VCF-style: chr20-32435468-T-C. GRCh37 (hg19) VCF-style: chr20-31023271-T-C.
Other names: c.2573T>C, p.Ile858Thr (NM_001363734.1); short protein forms I858T, I919T.
Identifiers: ClinVar variation 3628534 (VCV003628534.2).

ClinVar aggregate classification (germline): Uncertain significance (1 of 4 stars; one submission).

gnomAD v4.1: 8 of 1,613,974 alleles (0.0005%); highest among the groups gnomAD compares: African/African-American, 0.008%; no homozygotes.

Submission:

Labcorp Genetics (formerly Invitae), Labcorp
Classification: Uncertain significance. Last evaluated: 2024-11-18. Review status: criteria provided, single submitter. Criteria: Invitae Variant Classification Sherloc (09022015). Collection method: clinical testing. Allele origin: germline.
Comment: This sequence change replaces isoleucine, which is neutral and non-polar, with threonine, which is neutral and polar, at codon 919 of the ASXL1 protein (p.Ile919Thr). This variant is present in population databases (rs549809573, gnomAD 0.02%). This variant has not been reported in the literature in individuals affected with ASXL1-related conditions. An algorithm developed to predict the effect of missense changes on protein structure and function outputs the following: PolyPhen-2: "Benign". The threonine amino acid residue is found in multiple mammalian species, which suggests that this missense change does not adversely affect protein function. In summary, the available evidence is currently insufficient to determine the role of this variant in disease. Therefore, it has been classified as a Variant of Uncertain Significance.